The following is an entry in ClinVar:

NM_001044385.3(TMEM237):c.*2719G>A

Gene: TMEM237 (transmembrane protein 237; minus strand). Cytogenetic location: 2q33.1.
Variant type: single nucleotide variant.
Coding change: c.*2719G>A on transcript NM_001044385.3 (MANE Select); 2719 bases downstream of the stop codon, G replaced by A.
Molecular consequence: 3 prime UTR variant.
Genome position (GRCh38, 1-based): chr2:201,621,536, C>T on the plus strand (G>A on the coding strand, the complement: TMEM237 is on the minus strand). VCF-style: chr2-201621536-C-T. GRCh37 (hg19) VCF-style: chr2-202486259-C-T.
Other names: c.*2719G>A (NM_152388.4).
Identifiers: ClinVar variation 333537 (VCV000333537.5), dbSNP rs142852956, ClinGen allele CA10613506.

ClinVar aggregate classification (germline): Likely benign (1 of 4 stars; one submission).

Conditions:
Joubert syndrome 14 (JBTS14). Identifiers: MedGen C3280766, MONDO:0013745, OMIM 614424.

Allele frequency attached by ClinVar (database versions not stated): gnomAD 0.00399 and 0.00417; TOPMed 0.00446; 1000 Genomes Project 0.00499; 1000 Genomes Project 30x 0.00562.

Submission:

Illumina Laboratory Services, Illumina
Classification: Likely benign for Joubert syndrome 14. Last evaluated: 2018-01-12. Review status: criteria provided, single submitter. Criteria: ICSL Variant Classification Criteria 13 December 2019. Collection method: clinical testing. Allele origin: germline.
Comment: This variant was observed in the ICSL laboratory as part of a predisposition screen in an ostensibly healthy population. It had not been previously curated by ICSL or reported in the Human Gene Mutation Database (HGMD: prior to June 1st, 2018), and was therefore a candidate for classification through an automated scoring system. Utilizing variant allele frequency, disease prevalence and penetrance estimates, and inheritance mode, an automated score was calculated to assess if this variant is too frequent to cause the disease. Based on the score and internal cut-off values, a variant classified as likely benign is not then subjected to further curation. The score for this variant resulted in a classification of likely benign for this disease.